The following is an entry in ClinVar:

NM_000492.4(CFTR):c.2393dup (p.Gln799fs)

Gene: CFTR (CF transmembrane conductance regulator; plus strand). Cytogenetic location: 7q31.2.
Variant type: Duplication.
Coding change: c.2393dup on transcript NM_000492.4 (MANE Select); coding-DNA position 2393, one base duplicated (C; older notation c.2393dupC).
Protein change: p.Gln799fs; shifts the reading frame from glutamine 799.
Molecular consequence: frameshift variant.
Genome position (GRCh38, 1-based): chr7:117,592,560, C duplicated; the last of 4 consecutive C bases (chr7:117,592,557-117,592,560); duplicating any one gives the same sequence. VCF-style (leftmost placement, unchanged base first): chr7-117592556-G-GC. GRCh37 (hg19) VCF-style: chr7-117232610-G-GC.
Other names: 2522insC; c.2393dup (NM_000492.3); c.2393dupC (NM_000492.3); c.2390_2391insC (NM_000492.3); short protein forms Q799fs.
Identifiers: ClinVar variation 53484 (VCV000053484.4), dbSNP rs397508372, ClinGen allele CA326809.

ClinVar aggregate classification (germline): Pathogenic/Likely pathogenic. Review status: criteria provided, multiple submitters, no conflicts (2 of 4 stars). 4 submissions from 4 submitters: Pathogenic (2); Likely pathogenic (1). 1 of the submissions does not count toward it. Last evaluated 2025-08-05.

Conditions:
CFTR-related disorder (CFTR-RD). Also called: CFTR-related disorders; CFTR-related condition. Identifiers: MedGen C5924204, MONDO:7770004.
Cystic fibrosis (CF). Also called: MUCOVISCIDOSIS. Identifiers: Orphanet 586, MedGen C0010674, MONDO:0009061, OMIM 219700. Disease mechanism: loss of function.

Submissions (4):

Natera, Inc.
Classification: Likely pathogenic for CFTR-related disorders. Last evaluated: 2025-08-05. Review status: criteria provided, single submitter. Criteria: Natera Variant Classification Schema (03/2026). Collection method: clinical testing. Allele origin: germline.
Comment: The c.2393dupC variant in CFTR is a frameshift variant predicted to shift the reading frame beginning at codon 799 and leads to a stop codon 6 codons downstream. This variant is expected to result in nonsense mediated decay, truncation, or a dysfunctional protein product. This variant is rare in the general population with a frequency below the threshold expected for the associated phenotype(s). Given the available evidence, this variant is classified as Likely Pathogenic.

Quest Diagnostics Nichols Institute San Juan Capistrano
Classification: Pathogenic. Last evaluated: 2023-08-02. Review status: criteria provided, single submitter. Criteria: Quest Diagnostics criteria. Collection method: clinical testing. Allele origin: unknown.
Comment: The CFTR c.2393dup (p.Gln799Serfs*6) variant alters the translational reading frame of the CFTR mRNA and causes the premature termination of CFTR protein synthesis. This variant has been reported in the published literature in individuals with cystic fibrosis (PMID: 1710600 (1991), 15638824 (2005) and CFTR2). This variant has not been reported in large, multi-ethnic general populations (Genome Aggregation Database). Based on the available information, this variant is classified as pathogenic.

Institute of Human Genetics, University of Leipzig Medical Center
Classification: Pathogenic for Cystic fibrosis. Last evaluated: 2022-09-05. Review status: criteria provided, single submitter. Criteria: ACMG Guidelines, 2015. Collection method: curation. Allele origin: unknown. Affected: yes. Observed: 1 variant allele.
Comment: The variant was classified in the context of a project re-classifying variants in the German Cystic Fibrosis Registry (Muko.e.V.). Criteria applied: PVS1, PM2_SUP, PM3, PP4

ClinVar Staff, National Center for Biotechnology Information (NCBI)
No classification provided. Condition: CFTR-related disorders. Review status: no classification provided. Collection method: literature only. Allele origin: germline. Affected: yes. Not counted in ClinVar's aggregate classification.

Literature cited by the submitters: PubMed 1710600 (cited by Quest Diagnostics Nichols Institute San Juan Capistrano); PubMed 15638824 (cited by Quest Diagnostics Nichols Institute San Juan Capistrano and ClinVar Staff, National Center for Biotechnology Information (NCBI)).